The following is an entry in ClinVar:

ClinVar aggregate classification (germline): Pathogenic (1 of 4 stars; one submission).

Conditions:
Intellectual disability, CASK-related, X-linked. Identifiers: MedGen CN043158.

Submission:

Labcorp Genetics (formerly Invitae), Labcorp
Classification: Pathogenic for Intellectual disability, CASK-related, X-linked. Last evaluated: 2021-11-21. Review status: criteria provided, single submitter. Criteria: Invitae Variant Classification Sherloc (09022015). Collection method: clinical testing. Allele origin: germline.
Comment: For these reasons, this variant has been classified as Pathogenic. This variant has not been reported in the literature in individuals affected with CASK-related conditions. This variant is a gross deletion of the genomic region encompassing exon(s) 19-22 of the CASK gene. This deletion is out-of-frame, and is expected to create a premature termination codon and result in an absent or disrupted protein product. Loss-of-function variants in CASK are known to be pathogenic (PMID: 19165920, 20029458, 21954287, 22452838, 22709267).

Literature cited by the submitters: PubMed 19165920; PubMed 20029458; PubMed 21954287; PubMed 22452838; PubMed 22709267.

NC_000023.10:g.(?_41401924)_(41416373_?)del

Gene: CASK (calcium/calmodulin dependent serine protein kinase; minus strand). Cytogenetic location: Xp11.4.
Variant type: Deletion.
Identifiers: ClinVar variation 2424727 (VCV002424727.4).